The following is an entry in ClinVar:

ClinVar aggregate classification (germline): Uncertain significance (1 of 4 stars; one submission).

Conditions:
Inborn genetic diseases. Identifiers: MedGen C0950123, MeSH D030342.

Allele frequency attached by ClinVar (database versions not stated): ExAC 0.00001; gnomAD 0.00001; gnomAD exomes 0.00001; TOPMed 0.00002.
gnomAD v4.1: 18 of 1,613,668 alleles (0.0011%); highest among the groups gnomAD compares: East Asian, 0.0022%; no homozygotes.

Submission:

Ambry Genetics
Classification: Uncertain significance for Inborn genetic diseases. Last evaluated: 2026-01-05. Review status: criteria provided, single submitter. Criteria: Ambry Variant Classification Scheme 2023. Collection method: clinical testing. Allele origin: germline.
Comment: The c.2350A>G (p.I784V) alteration is located in exon 24 (coding exon 24) of the ATP2C1 gene. This alteration results from a A to G substitution at nucleotide position 2350, causing the isoleucine (I) at amino acid position 784 to be replaced by a valine (V). Based on data from gnomAD, the G allele has an overall frequency of <0.001% (1/251174) total alleles studied. The highest observed frequency was 0.001% (1/113518) of European (non-Finnish) alleles. Based on insufficient or conflicting evidence, the clinical significance of this alteration remains unclear.

NM_001378687.1(ATP2C1):c.2350A>G (p.Ile784Val)

Gene: ATP2C1 (ATPase secretory pathway Ca2+ transporting 1; plus strand). Cytogenetic location: 3q22.1.
Variant type: single nucleotide variant.
Coding change: c.2350A>G on transcript NM_001378687.1 (MANE Select); coding-DNA position 2350, A replaced by G.
Protein change: p.Ile784Val; replaces isoleucine 784 with valine.
Molecular consequence: missense variant.
Genome position (GRCh38, 1-based): chr3:130,997,712, A>G. VCF-style: chr3-130997712-A-G. GRCh37 (hg19) VCF-style: chr3-130716556-A-G.
Other names: c.2350A>G, p.Ile784Val (NM_001001485.3, NM_001001486.2, NM_001001487.2 and 5 more transcripts); c.2452A>G, p.Ile818Val (NM_001199180.2, NM_001199181.3, NM_001378511.1); c.2335A>G, p.Ile779Val (NM_001199182.2); c.2302A>G, p.Ile768Val (NM_001199183.2, NM_001199184.3, NM_001378514.1); short protein forms I768V, I779V, I818V, I784V.
Identifiers: ClinVar variation 2529864 (VCV002529864.3), dbSNP rs766262948, ClinGen allele CA2615366.